The following is an entry in ClinVar:

NM_005216.5(DDOST):c.619T>G (p.Phe207Val)

Gene: DDOST (dolichyl-diphosphooligosaccharide--protein glycosyltransferase non-catalytic subunit; minus strand). Cytogenetic location: 1p36.12.
Variant type: single nucleotide variant.
Coding change: c.619T>G on transcript NM_005216.5 (MANE Select); coding-DNA position 619, T replaced by G.
Protein change: p.Phe207Val; replaces phenylalanine 207 with valine.
Molecular consequence: missense variant.
Genome position (GRCh38, 1-based): chr1:20,654,640, A>C on the plus strand (T>G on the coding strand, the complement: DDOST is on the minus strand). VCF-style: chr1-20654640-A-C. GRCh37 (hg19) VCF-style: chr1-20981133-A-C.
Other names: short protein forms F207V.
Identifiers: ClinVar variation 1058001 (VCV001058001.9), dbSNP rs145758022, ClinGen allele CA661171.

ClinVar aggregate classification (germline): Uncertain significance (1 of 4 stars; one submission).

Conditions:
Congenital disorder of glycosylation type Ir (CDG1R). Also called: DDOST-congenital disorder of glycosylation. Identifiers: Orphanet 300536, MedGen C3281084, MONDO:0013789, OMIM 614507.

Allele frequency attached by ClinVar (database versions not stated): gnomAD exomes 0.00001; gnomAD 0.00002; TOPMed 0.00003; ESP Exome Variant Server 0.00008.
gnomAD v4.1: 22 of 1,564,704 alleles (0.0014%); highest among the groups gnomAD compares: Non-Finnish European, 0.0019%; no homozygotes.

Submission:

Labcorp Genetics (formerly Invitae), Labcorp
Classification: Uncertain significance for Congenital disorder of glycosylation type Ir. Last evaluated: 2022-08-23. Review status: criteria provided, single submitter. Criteria: Invitae Variant Classification Sherloc (09022015). Collection method: clinical testing. Allele origin: germline.
Comment: ClinVar contains an entry for this variant (Variation ID: 1058001). In summary, the available evidence is currently insufficient to determine the role of this variant in disease. Therefore, it has been classified as a Variant of Uncertain Significance. Algorithms developed to predict the effect of missense changes on protein structure and function (SIFT, PolyPhen-2, Align-GVGD) all suggest that this variant is likely to be tolerated. This variant has not been reported in the literature in individuals affected with DDOST-related conditions. The frequency data for this variant in the population databases is considered unreliable, as metrics indicate poor data quality at this position in the gnomAD database. This sequence change replaces phenylalanine, which is neutral and non-polar, with valine, which is neutral and non-polar, at codon 224 of the DDOST protein (p.Phe224Val).